The following is an entry in ClinVar:

NM_000552.5(VWF):c.6919T>A (p.Cys2307Ser)

Gene: VWF (von Willebrand factor; minus strand). Cytogenetic location: 12p13.31.
Variant type: single nucleotide variant.
Coding change: c.6919T>A on transcript NM_000552.5 (MANE Select); coding-DNA position 6919, T replaced by A.
Protein change: p.Cys2307Ser; replaces cysteine 2307 with serine.
Molecular consequence: missense variant.
Genome position (GRCh38, 1-based): chr12:5,985,102, A>T on the plus strand (T>A on the coding strand, the complement: VWF is on the minus strand). VCF-style: chr12-5985102-A-T. GRCh37 (hg19) VCF-style: chr12-6094268-A-T.
Other names: short protein forms C2307S.
Identifiers: ClinVar variation 3468925 (VCV003468925.2).

ClinVar aggregate classification (germline): Uncertain significance. Review status: criteria provided, multiple submitters, no conflicts (2 of 4 stars). 2 submissions from 2 submitters: Uncertain significance (2). Last evaluated 2026-03-10.

Conditions:
Inborn genetic diseases. Identifiers: MedGen C0950123, MeSH D030342.

Submissions (2):

GeneDx
Classification: Uncertain significance. Last evaluated: 2026-03-10. Review status: criteria provided, single submitter. Criteria: GeneDx Variant Classification Process June 2021. Collection method: clinical testing. Allele origin: germline.
Comment: Not observed at significant frequency in large population cohorts (gnomAD); In silico analysis supports that this missense variant has a deleterious effect on protein structure/function; Has not been previously published as pathogenic or benign to our knowledge

Ambry Genetics
Classification: Uncertain significance for Inborn genetic diseases. Last evaluated: 2024-12-10. Review status: criteria provided, single submitter. Criteria: Ambry Variant Classification Scheme 2023. Collection method: clinical testing. Allele origin: germline.